The following is an entry in ClinVar:

ClinVar aggregate classification (germline): Uncertain significance. Review status: criteria provided, multiple submitters, no conflicts (2 of 4 stars). 4 submissions from 4 submitters: Uncertain significance (4). Last evaluated 2025-11-04.

Conditions:
Hereditary cancer-predisposing syndrome. Also called: Hereditary Cancer Syndrome; Neoplastic Syndromes, Hereditary; Tumor predisposition; Hereditary neoplastic syndrome. Identifiers: Orphanet 140162, MedGen C0027672, MeSH D009386, MONDO:0015356.
Familial cancer of breast. Also called: Hereditary breast cancer; hereditary breast carcinoma; BREAST CANCER, FAMILIAL. Identifiers: Orphanet 227535, MedGen C0346153, MONDO:0016419, OMIM 114480. Disease mechanism: loss of function.
Ataxia-telangiectasia syndrome (AT). Also called: Ataxia telangiectasia (A-T); Ataxia-telangiectasia, complementation group E; LOUIS-BAR SYNDROME; Cerebello-oculocutaneous telangiectasia; Immunodeficiency with ataxia telangiectasia; Ataxia-telangiectasia, complementation group D. Identifiers: Orphanet 100, MedGen C0004135, MONDO:0008840, OMIM 208900.

Allele frequency attached by ClinVar (database versions not stated): gnomAD exomes 0.00001.
gnomAD v4.1: 5 of 1,613,890 alleles (0.00031%); highest among the groups gnomAD compares: Non-Finnish European, 0.00042%; no homozygotes.

Submissions (4):

Labcorp Genetics (formerly Invitae), Labcorp
Classification: Uncertain significance for Ataxia-telangiectasia syndrome. Last evaluated: 2025-11-04. Review status: criteria provided, single submitter. Criteria: Invitae Variant Classification Sherloc (09022015). Collection method: clinical testing. Allele origin: germline.
Comment: This sequence change replaces glutamine, which is neutral and polar, with arginine, which is basic and polar, at codon 1331 of the ATM protein (p.Gln1331Arg). This variant is present in population databases (no rsID available, gnomAD 0.002%). This variant has not been reported in the literature in individuals affected with ATM-related conditions. ClinVar contains an entry for this variant (Variation ID: 230620). An algorithm developed to predict the effect of missense changes on protein structure and function (PolyPhen-2) suggests that this variant is likely to be tolerated. Studies have shown that this missense change is associated with inconclusive levels of altered splicing (internal data). In summary, the available evidence is currently insufficient to determine the role of this variant in disease. Therefore, it has been classified as a Variant of Uncertain Significance.

Ambry Genetics
Classification: Uncertain significance for Hereditary cancer-predisposing syndrome. Last evaluated: 2025-04-29. Review status: criteria provided, single submitter. Criteria: Ambry Variant Classification Scheme 2023. Collection method: clinical testing. Allele origin: germline.
Comment: The p.Q1331R variant (also known as c.3992A>G), located in coding exon 25 of the ATM gene, results from an A to G substitution at nucleotide position 3992. The glutamine at codon 1331 is replaced by arginine, an amino acid with highly similar properties. This amino acid position is highly conserved in available vertebrate species. In addition, the in silico prediction for this alteration is inconclusive. Based on the available evidence, the clinical significance of this variant remains unclear.

MGZ Medical Genetics Center
Classification: Uncertain significance for Familial cancer of breast. Last evaluated: 2021-10-11. Review status: criteria provided, single submitter. Criteria: ACMG Guidelines, 2015. Collection method: clinical testing. Allele origin: germline. Affected: yes. Observed: 1 variant allele.
Comment: ACMG criteria applied: PM2_SUP, PP3, BP4

Color Diagnostics, LLC DBA Color Health
Classification: Uncertain significance for Hereditary cancer-predisposing syndrome. Last evaluated: 2018-12-21. Review status: criteria provided, single submitter. Criteria: ACMG Guidelines, 2015. Collection method: clinical testing. Allele origin: germline.

NM_000051.4(ATM):c.3992A>G (p.Gln1331Arg)

Gene: ATM (ATM serine/threonine kinase; plus strand). Cytogenetic location: 11q22.3.
Variant type: single nucleotide variant.
Coding change: c.3992A>G on transcript NM_000051.4 (MANE Select); coding-DNA position 3992, A replaced by G.
Protein change: p.Gln1331Arg; replaces glutamine 1331 with arginine.
Molecular consequence: missense variant.
Genome position (GRCh38, 1-based): chr11:108,284,472, A>G. VCF-style: chr11-108284472-A-G. GRCh37 (hg19) VCF-style: chr11-108155199-A-G.
Other names: c.3992A>G, p.Gln1331Arg (NM_001351834.2); short protein forms Q1331R.
Identifiers: ClinVar variation 230620 (VCV000230620.19), dbSNP rs876658669, ClinGen allele CA10579131.
Genomic context (GRCh38, chr11:108,284,472, plus strand): 5'-AAAGAGAGACTGCTACCAAGGTCTATGATATGCTTAAAAGTGAAAACTTATTGGGAAAAC[A>G]GGTATGGCTTCAATTTTTATGTACTTTTCATTCCCTGAATGATATGAGATATAACCTTTA-3'
Protein context (NP_000042.3, residues 1321-1341): MLKSENLLGK[Gln1331Arg]IDHLFISNLP